The following is an entry in ClinVar:

ClinVar aggregate classification (germline): Uncertain significance. Review status: criteria provided, multiple submitters, no conflicts (2 of 4 stars). 2 submissions from 2 submitters: Uncertain significance (2). Last evaluated 2025-06-18.

Conditions:
Inborn genetic diseases. Identifiers: MedGen C0950123, MeSH D030342.

Allele frequency attached by ClinVar (database versions not stated): gnomAD exomes below 0.00001; TOPMed below 0.00001; ExAC 0.00001; gnomAD 0.00001.

Submissions (2):

Ambry Genetics
Classification: Uncertain significance for Inborn genetic diseases. Last evaluated: 2025-06-18. Review status: criteria provided, single submitter. Criteria: Ambry Variant Classification Scheme 2023. Collection method: clinical testing. Allele origin: germline.

Labcorp Genetics (formerly Invitae), Labcorp
Classification: Uncertain significance. Last evaluated: 2024-12-14. Review status: criteria provided, single submitter. Criteria: Invitae Variant Classification Sherloc (09022015). Collection method: clinical testing. Allele origin: germline.
Comment: This sequence change replaces glutamic acid, which is acidic and polar, with lysine, which is basic and polar, at codon 377 of the PROKR2 protein (p.Glu377Lys). This variant is present in population databases (rs778301898, gnomAD 0.002%). This variant has not been reported in the literature in individuals affected with PROKR2-related conditions. ClinVar contains an entry for this variant (Variation ID: 2764349). Invitae Evidence Modeling of protein sequence and biophysical properties (such as structural, functional, and spatial information, amino acid conservation, physicochemical variation, residue mobility, and thermodynamic stability) indicates that this missense variant is not expected to disrupt PROKR2 protein function with a negative predictive value of 80%. In summary, the available evidence is currently insufficient to determine the role of this variant in disease. Therefore, it has been classified as a Variant of Uncertain Significance.

NM_144773.4(PROKR2):c.1129G>A (p.Glu377Lys)

Gene: PROKR2 (prokineticin receptor 2; minus strand). Cytogenetic location: 20p12.3.
Variant type: single nucleotide variant.
Coding change: c.1129G>A on transcript NM_144773.4 (MANE Select); coding-DNA position 1129, G replaced by A.
Protein change: p.Glu377Lys; replaces glutamic acid 377 with lysine.
Molecular consequence: missense variant.
Genome position (GRCh38, 1-based): chr20:5,302,066, C>T on the plus strand (G>A on the coding strand, the complement: PROKR2 is on the minus strand). VCF-style: chr20-5302066-C-T. GRCh37 (hg19) VCF-style: chr20-5282712-C-T.
Other names: c.1129G>A (NM_144773.2); short protein forms E377K.
Identifiers: ClinVar variation 2764349 (VCV002764349.4), dbSNP rs778301898, ClinGen allele CA9754192.
Genomic context (GRCh38, chr20:5,302,066, plus strand): 5'-GGACTGGGGTTTTCAATTGTGTGACACCAGTGGGTCACTTCAGCCTGATACAGTCCACCT[C>T]TTCTGTGGTGGGCACCCCGTTGGTTCTGAGGTCAAGGTCAGCACTGGACTTGCTCCCCCG-3'
Protein context (NP_658986.1, residues 367-384): LRTNGVPTTE[Glu377Lys]VDCIRLK